The following is an entry in ClinVar:

ClinVar aggregate classification (germline): Likely benign. Review status: criteria provided, multiple submitters, no conflicts (2 of 4 stars). 3 submissions from 3 submitters: Likely benign (3). Last evaluated 2026-08-01.

Allele frequency attached by ClinVar (database versions not stated): 1000 Genomes Project 0.00020; gnomAD 0.00026; TOPMed 0.00029; 1000 Genomes Project 30x 0.00031; gnomAD exomes 0.00040; ExAC 0.00042; ESP Exome Variant Server 0.00055.
gnomAD v4.1: 609 of 1,612,766 alleles (0.038%); highest among the groups gnomAD compares: Non-Finnish European, 0.046%; no homozygotes.

Submissions (3):

CeGaT Center for Human Genetics Tuebingen
Classification: Likely benign. Last evaluated: 2026-08-01. Review status: criteria provided, single submitter. Criteria: CeGaT Center For Human Genetics Tuebingen Variant Classification Criteria Version 2. Collection method: clinical testing. Allele origin: germline. Affected: yes. Observed: 2 variant alleles.
Comment: CASZ1: BP4, BP7

Blueprint Genetics
Classification: Likely benign. Last evaluated: 2024-10-31. Review status: criteria provided, single submitter. Criteria: ACMG Guidelines, 2015. Collection method: clinical testing. Allele origin: germline.

Labcorp Genetics (formerly Invitae), Labcorp
Classification: Likely benign. Last evaluated: 2024-04-04. Review status: criteria provided, single submitter. Criteria: Invitae Variant Classification Sherloc (09022015). Collection method: clinical testing. Allele origin: germline.

NM_001079843.3(CASZ1):c.3963G>A (p.Ala1321=)

Gene: CASZ1 (castor zinc finger 1; minus strand). Cytogenetic location: 1p36.22.
Variant type: single nucleotide variant.
Coding change: c.3963G>A on transcript NM_001079843.3 (MANE Select); coding-DNA position 3963, G replaced by A.
Protein change: p.Ala1321=; no amino-acid change (alanine 1321 retained).
Molecular consequence: synonymous variant.
Genome position (GRCh38, 1-based): chr1:10,643,217, C>T on the plus strand (G>A on the coding strand, the complement: CASZ1 is on the minus strand). VCF-style: chr1-10643217-C-T. GRCh37 (hg19) VCF-style: chr1-10703274-C-T.
Identifiers: ClinVar variation 2846169 (VCV002846169.21), dbSNP rs188045266, ClinGen allele CA584346.
Genomic context (GRCh38, chr1:10,643,217, plus strand): 5'-CACCTGGGAGGGGGGCACGCGGTCGAAGTTCTTCCCCAGCATCCTCCGCATGTGCTTCCG[C>T]GCGTGGGAGGTCATCTGGTGCTTGAGGAGGAAGGAGAACTGGCAGCCCTCCCGGATGCAG-3'
Protein context (NP_001073312.1, residues 1311-1331): FLLKHQMTSH[Ala1321=]RKHMRRMLGK